The following is an entry in ClinVar:

ClinVar aggregate classification (germline): Uncertain significance. Review status: criteria provided, multiple submitters, no conflicts (2 of 4 stars). 2 submissions from 2 submitters: Uncertain significance (2). Last evaluated 2025-02-13.

Conditions:
Inborn genetic diseases. Identifiers: MedGen C0950123, MeSH D030342.

Submissions (2):

Ambry Genetics
Classification: Uncertain significance for Inborn genetic diseases. Last evaluated: 2025-02-13. Review status: criteria provided, single submitter. Criteria: Ambry Variant Classification Scheme 2023. Collection method: clinical testing. Allele origin: germline.

Labcorp Genetics (formerly Invitae), Labcorp
Classification: Uncertain significance. Last evaluated: 2022-11-01. Review status: criteria provided, single submitter. Criteria: Invitae Variant Classification Sherloc (09022015). Collection method: clinical testing. Allele origin: germline.
Comment: This sequence change replaces serine, which is neutral and polar, with arginine, which is basic and polar, at codon 98 of the NKX3-2 protein (p.Ser98Arg). In summary, the available evidence is currently insufficient to determine the role of this variant in disease. Therefore, it has been classified as a Variant of Uncertain Significance. Advanced modeling of protein sequence and biophysical properties (such as structural, functional, and spatial information, amino acid conservation, physicochemical variation, residue mobility, and thermodynamic stability) performed at Invitae indicates that this missense variant is not expected to disrupt NKX3-2 protein function. ClinVar contains an entry for this variant (Variation ID: 1351182). This variant has not been reported in the literature in individuals affected with NKX3-2-related conditions. The frequency data for this variant in the population databases is considered unreliable, as metrics indicate poor data quality at this position in the gnomAD database.

NM_001189.4(NKX3-2):c.294C>A (p.Ser98Arg)

Gene: NKX3-2 (NK3 homeobox 2; minus strand). Cytogenetic location: 4p15.33.
Variant type: single nucleotide variant.
Coding change: c.294C>A on transcript NM_001189.4 (MANE Select); coding-DNA position 294, C replaced by A.
Protein change: p.Ser98Arg; replaces serine 98 with arginine.
Molecular consequence: missense variant.
Genome position (GRCh38, 1-based): chr4:13,544,121, G>T on the plus strand (C>A on the coding strand, the complement: NKX3-2 is on the minus strand). VCF-style: chr4-13544121-G-T. GRCh37 (hg19) VCF-style: chr4-13545745-G-T.
Other names: c.294C>A (NM_001189.3); short protein forms S98R.
Identifiers: ClinVar variation 1351182 (VCV001351182.9), dbSNP rs770494452, ClinGen allele CA2860436.